The following continues an entry in ClinVar:

NM_005609.4(PYGM):c.2262del (p.Lys754fs)

Gene: PYGM. ClinVar aggregate classification (germline): Conflicting classifications of pathogenicity. Pathogenic (14); Likely pathogenic (1); Benign (1).

Submissions 14 to 19 of 19:

Rady Children's Institute for Genomic Medicine, Rady Children's Hospital San Diego
Classification: Pathogenic for GLYCOGEN STORAGE DISEASE V. Last evaluated: 2017-08-04. Review status: criteria provided, single submitter. Criteria: ACMG Guidelines, 2015. Collection method: clinical testing. Allele origin: germline. Affected: yes. Observed: 1 variant allele.
Comment: This frameshifting variant that is predicted to result in premature truncation of the protein. This variant has been listed as pathogenic by two separate clinical laboratories in the ClinVar database. Additionally, this variant has been reported in multiple affected patients in the compound heterozygous state (reviewed in PMID: 17915571). The highest reported allele frequency in the ExAC database is 0.00036 in the South Asian population. Thus, it is presumed to be rare. Based on the combined evidence, this variant is classified as pathogenic.

Eurofins Ntd Llc (ga)
Classification: Pathogenic. Last evaluated: 2017-05-01. Review status: criteria provided, single submitter. Criteria: EGL Classification Definitions. Collection method: clinical testing. Allele origin: germline. Observed: 12 variant alleles, 9 heterozygotes, 3 homozygotes.

Kariminejad - Najmabadi Pathology & Genetics Center
Classification: Pathogenic for Glycogen storage disease, type V. Review status: criteria provided, single submitter. Criteria: ACMG Guidelines, 2015. Collection method: clinical testing. Allele origin: germline. Affected: no.

Counsyl
Classification: Pathogenic for Glycogen storage disease, type V. Last evaluated: 2015-09-10. Review status: no assertion criteria provided. Collection method: clinical testing. Allele origin: unknown. Not counted in ClinVar's aggregate classification.

Clinical Genetics DNA and cytogenetics Diagnostics Lab, Erasmus MC, Erasmus Medical Center
Classification: Likely pathogenic. Review status: no assertion criteria provided. Collection method: clinical testing. Allele origin: germline. Affected: yes. Study: VKGL Data-share Consensus. Not counted in ClinVar's aggregate classification.

Genome Diagnostics Laboratory, Amsterdam University Medical Center
Classification: Pathogenic. Review status: no assertion criteria provided. Collection method: clinical testing. Allele origin: germline. Affected: yes. Study: VKGL Data-share Consensus. Not counted in ClinVar's aggregate classification.

Literature cited by the submitters: PubMed 9633816 (cited by 4 submitters); PubMed 17324573 (cited by 5 submitters); PubMed 22250184 (cited by 3 submitters); PubMed 16786513 (cited by 3 submitters); PubMed 17221871 (cited by Mayo Clinic Laboratories, Mayo Clinic and Illumina Laboratory Services, Illumina); PubMed 17630210 (cited by Mayo Clinic Laboratories, Mayo Clinic and Illumina Laboratory Services, Illumina); PubMed 17994553 (cited by Mayo Clinic Laboratories, Mayo Clinic and Illumina Laboratory Services, Illumina); PubMed 22832773 (cited by Mayo Clinic Laboratories, Mayo Clinic and Illumina Laboratory Services, Illumina); PubMed 25240406 (cited by Mayo Clinic Laboratories, Mayo Clinic and Illumina Laboratory Services, Illumina); PubMed 25740218 (cited by Mayo Clinic Laboratories, Mayo Clinic and Illumina Laboratory Services, Illumina); PubMed 28967462 (cited by Mayo Clinic Laboratories, Mayo Clinic and Illumina Laboratory Services, Illumina); PubMed 35465342 (cited by Mayo Clinic Laboratories, Mayo Clinic); PubMed 9506549 (cited by Mayo Clinic Laboratories, Mayo Clinic and Counsyl); PubMed 20301518 (cited by Variantyx, Inc.); PubMed 36455789 (cited by Natera, Inc.); PubMed 17404776 (cited by Illumina Laboratory Services, Illumina); PubMed 11168025 (cited by Counsyl).